The following is an entry in ClinVar:

ClinVar aggregate classification (germline): Conflicting classifications of pathogenicity. Review status: criteria provided, conflicting classifications (1 of 4 stars). 3 submissions from 3 submitters: Pathogenic (1); Uncertain significance (2). Last evaluated 2025-09-22.

Conditions:
Leber congenital amaurosis 13 (LCA13). Identifiers: MedGen C2675186, MONDO:0012990, OMIM 612712.
RDH12-related disorder. Also called: RDH12-related condition; RDH12-related disorders.

Allele frequency attached by ClinVar (database versions not stated): ExAC 0.00001; gnomAD 0.00001; gnomAD exomes 0.00001; TOPMed 0.00001; ESP Exome Variant Server 0.00008.
gnomAD v4.1: 10 of 1,612,638 alleles (0.00062%); highest among the groups gnomAD compares: Non-Finnish European, 0.00085%; no homozygotes.

Submissions (3):

Labcorp Genetics (formerly Invitae), Labcorp
Classification: Uncertain significance for Leber congenital amaurosis 13. Last evaluated: 2025-09-22. Review status: criteria provided, single submitter. Criteria: Invitae Variant Classification Sherloc (09022015). Collection method: clinical testing. Allele origin: germline.
Comment: This sequence change replaces threonine, which is neutral and polar, with isoleucine, which is neutral and non-polar, at codon 224 of the RDH12 protein (p.Thr224Ile). This variant is present in population databases (rs200302290, gnomAD 0.002%). This missense change has been observed in individual(s) with clinical features of autosomal recessive RDH12-related conditions (PMID: 30979730, 33090715; internal data). In at least one individual the data is consistent with being in trans (on the opposite chromosome) from a pathogenic variant. ClinVar contains an entry for this variant (Variation ID: 867045). Invitae Evidence Modeling of protein sequence and biophysical properties (such as structural, functional, and spatial information, amino acid conservation, physicochemical variation, residue mobility, and thermodynamic stability) indicates that this missense variant is not expected to disrupt RDH12 protein function with a negative predictive value of 80%. In summary, the available evidence is currently insufficient to determine the role of this variant in disease. Therefore, it has been classified as a Variant of Uncertain Significance.

Women's Health and Genetics/Laboratory Corporation of America, LabCorp
Classification: Uncertain significance. Last evaluated: 2024-06-18. Review status: criteria provided, single submitter. Criteria: LabCorp Variant Classification Summary - May 2015. Collection method: clinical testing. Allele origin: germline.
Comment: Variant summary: RDH12 c.671C>T (p.Thr224Ile) results in a non-conservative amino acid change in the encoded protein sequence. Five of five in-silico tools predict a damaging effect of the variant on protein function. The variant allele was found at a frequency of 8e-06 in 249156 control chromosomes. c.671C>T has been reported in the literature in the compound heterozygous state in individuals affected with retinal degeneration (e.g. Liu_2021, Fahim_2019). These data indicate that the variant may be associated with disease. To our knowledge, no experimental evidence demonstrating an impact on protein function has been reported. The following publications have been ascertained in the context of this evaluation (PMID: 30979730, 33090715). ClinVar contains an entry for this variant (Variation ID: 867045). Based on the evidence outlined above, the variant was classified as VUS-possibly pathogenic.

Blueprint Genetics
Classification: Pathogenic for RDH12-related disorders. Last evaluated: 2022-12-30. Review status: criteria provided, single submitter. Criteria: ACMG Guidelines, 2015. Collection method: clinical testing. Allele origin: germline. Affected: yes. Observed: 5 variant alleles.

Literature cited by the submitters: PubMed 30979730 (cited by Labcorp Genetics (formerly Invitae), Labcorp and Women's Health and Genetics/Laboratory Corporation of America, LabCorp); PubMed 33090715 (cited by Labcorp Genetics (formerly Invitae), Labcorp and Women's Health and Genetics/Laboratory Corporation of America, LabCorp).

NM_152443.3(RDH12):c.671C>T (p.Thr224Ile)

Genes: GPHN (gephyrin; plus strand), RDH12 (retinol dehydrogenase 12; plus strand), ZFYVE26 (zinc finger FYVE-type containing 26; minus strand). Cytogenetic location: 14q24.1.
Variant type: single nucleotide variant.
Coding change: c.671C>T on transcript NM_152443.3 (MANE Select); coding-DNA position 671, C replaced by T.
Protein change: p.Thr224Ile; replaces threonine 224 with isoleucine.
Molecular consequence: missense variant.
Genome position (GRCh38, 1-based): chr14:67,729,203, C>T. VCF-style: chr14-67729203-C-T. GRCh37 (hg19) VCF-style: chr14-68195920-C-T.
Other names: short protein forms T224I.
Identifiers: ClinVar variation 867045 (VCV000867045.13), dbSNP rs200302290, ClinGen allele CA7238791.
Genomic context (GRCh38, chr14:67,729,203, plus strand): 5'-CTGGGCTCAGAGTGTGTCCCTGATCTAATTGTGCCCTCTTTGTCCCAGGCACCGGGGTCA[C>T]CACCTACGCAGTGCACCCAGGCGTCGTCCGCTCTGAGCTGGTCCGGCACTCCTCCCTGCT-3'
Protein context (NP_689656.2, residues 214-234): LAKRLQGTGV[Thr224Ile]TYAVHPGVVR